The following is an entry in ClinVar:

ClinVar aggregate classification (germline): Uncertain significance (1 of 4 stars; one submission).

gnomAD v4.1: 9 of 1,613,966 alleles (0.00056%); highest among the groups gnomAD compares: East Asian, 0.018%; no homozygotes.

Submission:

Ambry Genetics
Classification: Uncertain significance. Last evaluated: 2024-11-05. Review status: criteria provided, single submitter. Criteria: Ambry Variant Classification Scheme 2023. Collection method: clinical testing. Allele origin: germline.
Comment: The p.R706K variant (also known as c.2117G>A), located in coding exon 21 of the NEBL gene, results from a G to A substitution at nucleotide position 2117. The arginine at codon 706 is replaced by lysine, an amino acid with highly similar properties. This amino acid position is conserved. In addition, this alteration is predicted to be tolerated by in silico analysis. Based on the available evidence, the clinical significance of this variant remains unclear.

NM_006393.3(NEBL):c.2117G>A (p.Arg706Lys)

Genes: NEBL (nebulette; minus strand), LOC126860875 (MED14-independent group 3 enhancer GRCh37_chr10:21105746-21106945; plus strand). Cytogenetic location: 10p12.31.
Variant type: single nucleotide variant.
Coding change: c.2117G>A on transcript NM_006393.3 (MANE Select); coding-DNA position 2117, G replaced by A.
Protein change: p.Arg706Lys; replaces arginine 706 with lysine.
Molecular consequence: missense variant. On other transcripts: intron variant (9).
Genome position (GRCh38, 1-based): chr10:20,817,631, C>T on the plus strand (G>A on the coding strand, the complement: NEBL is on the minus strand). VCF-style: chr10-20817631-C-T. GRCh37 (hg19) VCF-style: chr10-21106560-C-T.
Other names: c.250-4691G>A (NM_001377326.1, NM_001377327.1, NM_001377328.1); c.358-4691G>A (NM_213569.2, NM_001173484.2, NM_001377322.1); c.301-4691G>A (NM_001377324.1); c.292-4691G>A (NM_001377325.1); c.310-4691G>A (NM_001377323.1); short protein forms R706K.
Identifiers: ClinVar variation 3404018 (VCV003404018.1).
Genomic context (GRCh38, chr10:20,817,631, plus strand): 5'-TAAGAAAAAAGTTACTAAGATGATCACACATTGCTGATGTTTTTCTGGTTTTCTTTTGCC[C>T]TCTTCAGCTCTGGTGGATCAGAAATTGCAGTTCCCCGTTGAAGTTCTCCCTTATATTTTA-3'
Protein context (NP_006384.1, residues 696-716): TAISDPPELK[Arg706Lys]AKENQKNISN